The following is an entry in ClinVar:

NM_001267550.2(TTN):c.105719G>T (p.Arg35240Leu)

Genes: TTN (titin; minus strand), TTN-AS1 (TTN antisense RNA 1; plus strand), LOC129935183 (ATAC-STARR-seq lymphoblastoid active region 16808; plus strand). Cytogenetic location: 2q31.2.
Variant type: single nucleotide variant.
Coding change: c.105719G>T on transcript NM_001267550.2 (MANE Select); coding-DNA position 105719, G replaced by T.
Protein change: p.Arg35240Leu; replaces arginine 35240 with leucine.
Molecular consequence: missense variant.
Genome position (GRCh38, 1-based): chr2:178,530,896, C>A on the plus strand (G>T on the coding strand, the complement: TTN is on the minus strand). VCF-style: chr2-178530896-C-A. GRCh37 (hg19) VCF-style: chr2-179395623-C-A.
Other names: c.100796G>T, p.Arg33599Leu (NM_001256850.1); c.78524G>T, p.Arg26175Leu (NM_003319.4); c.98015G>T, p.Arg32672Leu (NM_133378.4); c.78899G>T, p.Arg26300Leu (NM_133432.3); c.79100G>T, p.Arg26367Leu (NM_133437.4); short protein forms R26175L, R26300L, R26367L, R32672L, R33599L, R35240L.
Identifiers: ClinVar variation 3760395 (VCV003760395.2).

ClinVar aggregate classification (germline): Uncertain significance (1 of 4 stars; one submission).

Conditions:
Autosomal recessive limb-girdle muscular dystrophy type 2J (LGMDR10). Also called: Limb-girdle muscular dystrophy, type 2J; MUSCULAR DYSTROPHY, LIMB-GIRDLE, AUTOSOMAL RECESSIVE 10. Identifiers: Orphanet 140922, MedGen C1837342, MONDO:0012127, OMIM 608807.
Dilated cardiomyopathy 1G (CMD1G). Identifiers: Orphanet 154, MedGen C1858763, MONDO:0011400, OMIM 604145.

Submission:

Labcorp Genetics (formerly Invitae), Labcorp
Classification: Uncertain significance for Dilated cardiomyopathy 1G; Autosomal recessive limb-girdle muscular dystrophy type 2J. Last evaluated: 2025-01-22. Review status: criteria provided, single submitter. Criteria: Invitae Variant Classification Sherloc (09022015). Collection method: clinical testing. Allele origin: germline.
Comment: This sequence change replaces arginine, which is basic and polar, with leucine, which is neutral and non-polar, at codon 35240 of the TTN protein (p.Arg35240Leu). This variant is not present in population databases (gnomAD no frequency). This variant has not been reported in the literature in individuals affected with TTN-related conditions. Experimental studies and prediction algorithms are not available or were not evaluated, and the functional significance of this variant is currently unknown. This variant is located in the M band of TTN (PMID: 25589632). Non-truncating variants in this region may be relevant for neuromuscular disorders, but have not been definitively shown to cause cardiomyopathy (PMID: 23975875). In summary, the available evidence is currently insufficient to determine the role of this variant in disease. Therefore, it has been classified as a Variant of Uncertain Significance.

Literature cited by the submitters: PubMed 25589632; PubMed 23975875.